The following is an entry in ClinVar:

ClinVar aggregate classification (germline): Uncertain significance. Review status: criteria provided, multiple submitters, no conflicts (2 of 4 stars). 3 submissions from 3 submitters: Uncertain significance (3). Last evaluated 2025-08-26.

Conditions:
Autosomal recessive limb-girdle muscular dystrophy type 2A (LGMDR1). Also called: Muscular dystrophy, limb-girdle, type 2A, Amish; Calpainopathy; LEYDEN-MOEBIUS MUSCULAR DYSTROPHY; MUSCULAR DYSTROPHY, PELVOFEMORAL; Limb-girdle muscular dystrophy, type 2A. Identifiers: Orphanet 267, MedGen C1869123, MONDO:0009675, OMIM 253600. Disease mechanism: loss of function.
Inborn genetic diseases. Identifiers: MedGen C0950123, MeSH D030342.

gnomAD v4.1: 5 of 1,614,056 alleles (0.00031%); highest among the groups gnomAD compares: East Asian, 0.0022%; no homozygotes.

Submissions (3):

Labcorp Genetics (formerly Invitae), Labcorp
Classification: Uncertain significance for Autosomal recessive limb-girdle muscular dystrophy type 2A. Last evaluated: 2025-08-26. Review status: criteria provided, single submitter. Criteria: Invitae Variant Classification Sherloc (09022015). Collection method: clinical testing. Allele origin: germline.
Comment: This sequence change replaces threonine, which is neutral and polar, with methionine, which is neutral and non-polar, at codon 270 of the CAPN3 protein (p.Thr270Met). This variant is not present in population databases (gnomAD no frequency). This variant has not been reported in the literature in individuals affected with CAPN3-related conditions. ClinVar contains an entry for this variant (Variation ID: 885808). Invitae Evidence Modeling of protein sequence and biophysical properties (such as structural, functional, and spatial information, amino acid conservation, physicochemical variation, residue mobility, and thermodynamic stability) has been performed for this missense variant. However, the output from this modeling did not meet the statistical confidence thresholds required to predict the impact of this variant on CAPN3 protein function. In summary, the available evidence is currently insufficient to determine the role of this variant in disease. Therefore, it has been classified as a Variant of Uncertain Significance.

Ambry Genetics
Classification: Uncertain significance for Inborn genetic diseases. Last evaluated: 2025-02-13. Review status: criteria provided, single submitter. Criteria: Ambry Variant Classification Scheme 2023. Collection method: clinical testing. Allele origin: germline.

Illumina Laboratory Services, Illumina
Classification: Uncertain significance for Limb-girdle muscular dystrophy, type 2A. Last evaluated: 2018-01-12. Review status: criteria provided, single submitter. Criteria: ICSL Variant Classification Criteria 13 December 2019. Collection method: clinical testing. Allele origin: germline.

NM_000070.3(CAPN3):c.809C>T (p.Thr270Met)

Gene: CAPN3 (calpain 3; plus strand). Cytogenetic location: 15q15.1.
Variant type: single nucleotide variant.
Coding change: c.809C>T on transcript NM_000070.3 (MANE Select); coding-DNA position 809, C replaced by T.
Protein change: p.Thr270Met; replaces threonine 270 with methionine.
Molecular consequence: missense variant. On other transcripts: intron variant (1).
Genome position (GRCh38, 1-based): chr15:42,389,960, C>T. VCF-style: chr15-42389960-C-T. GRCh37 (hg19) VCF-style: chr15-42682158-C-T.
Other names: c.809C>T, p.Thr270Met (NM_024344.2); c.801+864C>T (NM_173087.2); short protein forms T270M.
Identifiers: ClinVar variation 885808 (VCV000885808.9), dbSNP rs1219356790, ClinGen allele CA391998444.